The following is an entry in ClinVar:

NM_000551.4(VHL):c.574_580dup (p.Val194fs)

Genes: VHL (von Hippel-Lindau tumor suppressor; plus strand), LOC107303340 (3p25 von Hippel-Lindau tumor suppressor, E3 ubiquitin protein ligase Alu-mediated recombination region; plus strand). Cytogenetic location: 3p25.3.
Variant type: Duplication.
Coding change: c.574_580dup on transcript NM_000551.4 (MANE Select); coding-DNA positions 574 to 580, 7 bases duplicated (CCAAATG; older notation c.574_580dupCCAAATG).
Protein change: p.Val194fs; shifts the reading frame from valine 194.
Molecular consequence: frameshift variant. On other transcripts: 3 prime UTR variant (1), non-coding transcript variant (1).
Genome position (GRCh38, 1-based): chr3:10,149,897-10,149,903, CCAAATG duplicated. VCF-style (leftmost placement, unchanged base first): chr3-10149896-C-CCCAAATG. GRCh37 (hg19) VCF-style: chr3-10191580-C-CCCAAATG.
Other names: c.*128_*134dup (NM_001354723.2); c.451_457dup, p.Val153fs (NM_198156.3); short protein forms V153fs, V194fs.
Identifiers: ClinVar variation 4686613 (VCV004686613.1).

ClinVar aggregate classification (germline): Pathogenic (1 of 4 stars; one submission).

Conditions:
Hereditary cancer-predisposing syndrome. Also called: Neoplastic Syndromes, Hereditary; Hereditary neoplastic syndrome; Hereditary Cancer Syndrome; Tumor predisposition. Identifiers: Orphanet 140162, MedGen C0027672, MeSH D009386, MONDO:0015356.

Submission:

Hereditary Cancer Laboratory, Hospital Universitario 12 de Octubre
Classification: Pathogenic for Hereditary cancer-predisposing syndrome. Last evaluated: 2025-01-09. Review status: criteria provided, single submitter. Criteria: ACMG Guidelines, 2015. Collection method: clinical testing. Allele origin: germline.
Comment: PVS1+PM2